The following is an entry in ClinVar:

ClinVar aggregate classification (germline): Likely pathogenic (1 of 4 stars; one submission).

Submission:

Dasa
Classification: Likely pathogenic. Last evaluated: 2025-04-11. Review status: criteria provided, single submitter. Criteria: DASA Assertion Criteria. Collection method: clinical testing. Allele origin: germline.
Comment: NM_017696.3(MCM9):c.1643_1647del (p.Arg548Leufs*8) introduces a premature termination codon predicted to result in loss of normal protein function. Loss-of-function is an established mechanism of disease for this gene. The variant is present at low frequency in population datasets. Based on the available data, this variant is classified as likely pathogenic.

NM_017696.3(MCM9):c.1643_1647del (p.Arg548fs)

Gene: MCM9 (minichromosome maintenance 9 homologous recombination repair factor; minus strand). Cytogenetic location: 6q22.31.
Variant type: Deletion.
Coding change: c.1643_1647del on transcript NM_017696.3 (MANE Select); coding-DNA positions 1643 to 1647, 5 bases deleted (GGTAC; older notation c.1643_1647delGGTAC).
Protein change: p.Arg548fs; shifts the reading frame from arginine 548.
Molecular consequence: frameshift variant. On other transcripts: non-coding transcript variant (1), intron variant (1).
Genome position (GRCh38, 1-based): chr6:118,828,012-118,828,016, GTACC deleted on the plus strand (GGTAC on the coding strand, the reverse complement: MCM9 is on the minus strand); deleting any 5 consecutive bases within chr6:118,828,012-118,828,017 gives the same sequence; the c. name uses the placement nearest the transcript's 3' end. VCF-style (leftmost placement, unchanged base first): chr6-118828011-AGTACC-A. GRCh37 (hg19) VCF-style: chr6-119149174-AGTACC-A.
Other names: c.1643_1647del, p.Arg548fs (NM_001378356.1, NM_001378357.1, NM_001378359.1 and 1 more transcripts); c.1517_1521del, p.Arg506fs (NM_001378366.1); c.1445_1449del, p.Arg482fs (NM_001378367.1); c.1528+1032_1528+1036del (NM_001378364.1); short protein forms R482fs, R506fs, R548fs.
Identifiers: ClinVar variation 4851887 (VCV004851887.1).